The following is an entry in ClinVar:

ClinVar aggregate classification (germline): Likely benign (1 of 4 stars; one submission).

Allele frequency attached by ClinVar (database versions not stated): 1000 Genomes Project 30x 0.00297; 1000 Genomes Project 0.00319; ESP Exome Variant Server 0.00515; gnomAD 0.00681; ExAC 0.00710; gnomAD exomes 0.00912.

Submission:

CeGaT Center for Human Genetics Tuebingen
Classification: Likely benign. Last evaluated: 2022-12-01. Review status: criteria provided, single submitter. Criteria: CeGaT Center For Human Genetics Tuebingen Variant Classification Criteria Version 2. Collection method: clinical testing. Allele origin: germline. Affected: yes. Observed: 2 variant alleles.
Comment: POLM: BP4, BS2

NM_013284.4(POLM):c.659G>C (p.Gly220Ala)

Gene: POLM (DNA polymerase mu; minus strand). Cytogenetic location: 7p13.
Variant type: single nucleotide variant.
Coding change: c.659G>C on transcript NM_013284.4 (MANE Select); coding-DNA position 659, G replaced by C.
Protein change: p.Gly220Ala; replaces glycine 220 with alanine.
Molecular consequence: missense variant. On other transcripts: non-coding transcript variant (3).
Genome position (GRCh38, 1-based): chr7:44,078,795, C>G on the plus strand (G>C on the coding strand, the complement: POLM is on the minus strand). VCF-style: chr7-44078795-C-G. GRCh37 (hg19) VCF-style: chr7-44118394-C-G.
Other names: c.659G>C, p.Gly220Ala (NM_001284330.2, NM_001284331.2, NM_001362683.2); short protein forms G220A.
Identifiers: ClinVar variation 2657420 (VCV002657420.24), dbSNP rs28382644, ClinGen allele CA4237137.